The following is an entry in ClinVar:

ClinVar aggregate classification (germline): Uncertain significance (1 of 4 stars; one submission).

Conditions:
Lowe syndrome (OCRL). Also called: LOWE OCULOCEREBRORENAL SYNDROME; PHOSPHATIDYLINOSITOL 4,5-BISPHOSPHATE 5-PHOSPHATASE DEFICIENCY; Oculocerebrorenal Syndrome. Identifiers: Orphanet 534, MedGen C0028860, MONDO:0010645, OMIM 309000.

Submission:

Labcorp Genetics (formerly Invitae), Labcorp
Classification: Uncertain significance for Lowe syndrome. Last evaluated: 2022-07-04. Review status: criteria provided, single submitter. Criteria: Invitae Variant Classification Sherloc (09022015). Collection method: clinical testing. Allele origin: germline.
Comment: In summary, the available evidence is currently insufficient to determine the role of this variant in disease. Therefore, it has been classified as a Variant of Uncertain Significance. Algorithms developed to predict the effect of sequence changes on RNA splicing suggest that this variant may disrupt the consensus splice site. This variant has not been reported in the literature in individuals affected with OCRL-related conditions. This variant is not present in population databases (gnomAD no frequency). This sequence change falls in intron 5 of the OCRL gene. It does not directly change the encoded amino acid sequence of the OCRL protein.

NM_000276.4(OCRL):c.350-7T>A

Gene: OCRL (OCRL inositol polyphosphate-5-phosphatase; plus strand). Cytogenetic location: Xq26.1.
Variant type: single nucleotide variant.
Coding change: c.350-7T>A on transcript NM_000276.4 (MANE Select); 7 bases into the intron before coding-DNA position 350, T replaced by A.
Molecular consequence: intron variant.
Genome position (GRCh38, 1-based): chrX:129,557,854, T>A. VCF-style: chrX-129557854-T-A. GRCh37 (hg19) VCF-style: chrX-128691831-T-A.
Other names: c.353-7T>A (NM_001318784.2); c.350-7T>A (NM_001587.4).
Identifiers: ClinVar variation 2014136 (VCV002014136.4), dbSNP rs2521874855, ClinGen allele CA2580100308.